The following is an entry in ClinVar:

NM_001371727.1(GABRB2):c.1060C>A (p.Arg354Ser)

Gene: GABRB2 (gamma-aminobutyric acid type A receptor subunit beta2; minus strand). Cytogenetic location: 5q34.
Variant type: single nucleotide variant.
Coding change: c.1060C>A on transcript NM_001371727.1 (MANE Select); coding-DNA position 1060, C replaced by A.
Protein change: p.Arg354Ser; replaces arginine 354 with serine.
Molecular consequence: missense variant.
Genome position (GRCh38, 1-based): chr5:161,330,900, G>T on the plus strand (C>A on the coding strand, the complement: GABRB2 is on the minus strand). VCF-style: chr5-161330900-G-T. GRCh37 (hg19) VCF-style: chr5-160757907-G-T.
Other names: c.1060C>A, p.Arg354Ser (NM_000813.3, NM_021911.3); c.1060C>A (NM_021911.2); short protein forms R354S.
Identifiers: ClinVar variation 1347808 (VCV001347808.9), dbSNP rs41298406, ClinGen allele CA131019988.

ClinVar aggregate classification (germline): Uncertain significance. Review status: criteria provided, multiple submitters, no conflicts (2 of 4 stars). 2 submissions from 2 submitters: Uncertain significance (2). Last evaluated 2024-10-10.

Conditions:
Intellectual disability. Also called: Intellectual functioning disability; Intellectual developmental disorder; intellectual disabilities. Identifiers: MedGen C3714756, MeSH D008607, MONDO:0001071, HP:0001249.
GABRB2-related disorder. Also called: GABRB2-related condition.

gnomAD v4.1: 2 of 1,614,222 alleles (0.00012%); highest among the groups gnomAD compares: Admixed American, 0.0033%; no homozygotes.

Submissions (2):

Labcorp Genetics (formerly Invitae), Labcorp
Classification: Uncertain significance for Intellectual disability. Last evaluated: 2024-10-10. Review status: criteria provided, single submitter. Criteria: Invitae Variant Classification Sherloc (09022015). Collection method: clinical testing. Allele origin: germline.
Comment: This sequence change replaces arginine, which is basic and polar, with serine, which is neutral and polar, at codon 354 of the GABRB2 protein (p.Arg354Ser). This variant is present in population databases (no rsID available, gnomAD 0.009%). This variant has not been reported in the literature in individuals affected with GABRB2-related conditions. ClinVar contains an entry for this variant (Variation ID: 1347808). Invitae Evidence Modeling of protein sequence and biophysical properties (such as structural, functional, and spatial information, amino acid conservation, physicochemical variation, residue mobility, and thermodynamic stability) indicates that this missense variant is not expected to disrupt GABRB2 protein function with a negative predictive value of 95%. In summary, the available evidence is currently insufficient to determine the role of this variant in disease. Therefore, it has been classified as a Variant of Uncertain Significance.

PreventionGenetics, part of Exact Sciences
Classification: Uncertain significance for GABRB2-related condition. Last evaluated: 2022-10-31. Review status: criteria provided, single submitter. Criteria: ACMG Guidelines, 2015. Collection method: clinical testing. Allele origin: germline.
Comment: The GABRB2 c.1060C>A variant is predicted to result in the amino acid substitution p.Arg354Ser. To our knowledge, this variant has not been reported in the literature. This variant is reported in 0.0087% of alleles in individuals of Latino descent in gnomAD. At this time, the clinical significance of this variant is uncertain due to the absence of conclusive functional and genetic evidence.